The following is an entry in ClinVar:

ClinVar aggregate classification (germline): Uncertain significance. Review status: criteria provided, multiple submitters, no conflicts (2 of 4 stars). 3 submissions from 3 submitters: Uncertain significance (3). Last evaluated 2025-12-26.

Conditions:
Inborn genetic diseases. Identifiers: MedGen C0950123, MeSH D030342.
Retinitis pigmentosa 73 (RP73). Identifiers: Orphanet 791, MedGen C4225287, MONDO:0014687, OMIM 616544.
Mucopolysaccharidosis, MPS-III-C (MPS3C). Also called: MPS IIIC (Sanfilippo Syndrome Type C); MUCOPOLYSACCHARIDOSIS, TYPE IIIC; Mucopolysaccharidosis type IIIC (Sanfilippo C); SANFILIPPO SYNDROME C; MPS III C; mucopolysaccharidosis type 3C. Identifiers: Orphanet 581, Orphanet 79271, MedGen C0086649, MONDO:0009657, OMIM 252930.
HGSNAT-related disorder. Also called: HGSNAT-related condition.

Allele frequency attached by ClinVar (database versions not stated): TOPMed 0.00009; ESP Exome Variant Server 0.00008; gnomAD exomes 0.00001; ExAC 0.00001; gnomAD 0.00004.
gnomAD v4.1: 10 of 1,613,596 alleles (0.00062%); highest among the groups gnomAD compares: Admixed American, 0.0083%; no homozygotes.

Submissions (3):

PreventionGenetics, part of Exact Sciences
Classification: Uncertain significance for HGSNAT-related condition. Last evaluated: 2025-12-26. Review status: criteria provided, single submitter. Criteria: ACMG Guidelines, 2015. Collection method: clinical testing. Allele origin: germline.
Comment: The HGSNAT c.461C>G variant is predicted to result in the amino acid substitution p.Ala154Gly. To our knowledge, this variant has not been reported in the literature. This variant is reported in 0.0065% of alleles in individuals of African descent in gnomAD. At this time, the clinical significance of this variant is uncertain due to the absence of conclusive functional and genetic evidence.

Ambry Genetics
Classification: Uncertain significance for Inborn genetic diseases. Last evaluated: 2024-03-04. Review status: criteria provided, single submitter. Criteria: Ambry Variant Classification Scheme 2023. Collection method: clinical testing. Allele origin: germline.

Labcorp Genetics (formerly Invitae), Labcorp
Classification: Uncertain significance for Retinitis pigmentosa 73; Mucopolysaccharidosis, MPS-III-C. Last evaluated: 2022-06-09. Review status: criteria provided, single submitter. Criteria: Invitae Variant Classification Sherloc (09022015). Collection method: clinical testing. Allele origin: germline.
Comment: This sequence change replaces alanine, which is neutral and non-polar, with glycine, which is neutral and non-polar, at codon 154 of the HGSNAT protein (p.Ala154Gly). This variant is present in population databases (rs373688314, gnomAD 0.007%). This variant has not been reported in the literature in individuals affected with HGSNAT-related conditions. Advanced modeling of protein sequence and biophysical properties (such as structural, functional, and spatial information, amino acid conservation, physicochemical variation, residue mobility, and thermodynamic stability) performed at Invitae indicates that this missense variant is not expected to disrupt HGSNAT protein function. Algorithms developed to predict the effect of sequence changes on RNA splicing suggest that this variant may create or strengthen a splice site. In summary, the available evidence is currently insufficient to determine the role of this variant in disease. Therefore, it has been classified as a Variant of Uncertain Significance.

NM_152419.3(HGSNAT):c.461C>G (p.Ala154Gly)

Gene: HGSNAT (heparan-alpha-glucosaminide N-acetyltransferase; plus strand). Cytogenetic location: 8p11.21.
Variant type: single nucleotide variant.
Coding change: c.461C>G on transcript NM_152419.3 (MANE Select); coding-DNA position 461, C replaced by G.
Protein change: p.Ala154Gly; replaces alanine 154 with glycine.
Molecular consequence: missense variant. On other transcripts: 5 prime UTR variant (1).
Genome position (GRCh38, 1-based): chr8:43,159,012, C>G. VCF-style: chr8-43159012-C-G. GRCh37 (hg19) VCF-style: chr8-43014155-C-G.
Other names: c.461C>G (NM_152419.2); c.461C>G, p.Ala154Gly (NM_001363227.2, NM_001363228.2); c.-373C>G (NM_001363229.2); short protein forms A154G.
Identifiers: ClinVar variation 1412191 (VCV001412191.7), dbSNP rs373688314, ClinGen allele CA4736510.